The following is an entry in ClinVar:

ClinVar aggregate classification (germline): Likely benign (1 of 4 stars; one submission).

Submission:

CeGaT Center for Human Genetics Tuebingen
Classification: Likely benign. Last evaluated: 2026-05-01. Review status: criteria provided, single submitter. Criteria: CeGaT Center For Human Genetics Tuebingen Variant Classification Criteria Version 2. Collection method: clinical testing. Allele origin: germline. Affected: yes. Observed: 1 variant allele.
Comment: KIF19: BP4, BP7

NM_153209.4(KIF19):c.1716C>G (p.Leu572=)

Gene: KIF19 (kinesin family member 19; plus strand). Cytogenetic location: 17q25.1.
Variant type: single nucleotide variant.
Coding change: c.1716C>G on transcript NM_153209.4 (MANE Select); coding-DNA position 1716, C replaced by G.
Protein change: p.Leu572=; no amino-acid change (leucine 572 retained).
Molecular consequence: synonymous variant.
Genome position (GRCh38, 1-based): chr17:74,351,995, C>G. VCF-style: chr17-74351995-C-G. GRCh37 (hg19) VCF-style: chr17-72348134-C-G.
Identifiers: ClinVar variation 4872294 (VCV004872294.2).